The following is an entry in ClinVar:

NM_000232.5(SGCB):c.178A>G (p.Arg60Gly)

Gene: SGCB (sarcoglycan beta; minus strand). Cytogenetic location: 4q12.
Variant type: single nucleotide variant.
Coding change: c.178A>G on transcript NM_000232.5 (MANE Select); coding-DNA position 178, A replaced by G.
Protein change: p.Arg60Gly; replaces arginine 60 with glycine.
Molecular consequence: missense variant.
Genome position (GRCh38, 1-based): chr4:52,033,496, T>C on the plus strand (A>G on the coding strand, the complement: SGCB is on the minus strand). VCF-style: chr4-52033496-T-C. GRCh37 (hg19) VCF-style: chr4-52899662-T-C.
Other names: short protein forms R60G.
Identifiers: ClinVar variation 597614 (VCV000597614.7), dbSNP rs1320144493, ClinGen allele CA356877911.

ClinVar aggregate classification (germline): Uncertain significance. Review status: criteria provided, multiple submitters, no conflicts (2 of 4 stars). 2 submissions from 2 submitters: Uncertain significance (2). Last evaluated 2022-10-17.

Conditions:
Autosomal recessive limb-girdle muscular dystrophy type 2E (LGMDR4). Also called: MUSCULAR DYSTROPHY, LIMB-GIRDLE, AUTOSOMAL RECESSIVE 4. Identifiers: Orphanet 119, MedGen C1858593, MONDO:0011423, OMIM 604286. Disease mechanism: Affects gamma-sarcoglycan and also disrupts the integrity of the entire sarcoglycan complex..

Allele frequency attached by ClinVar (database versions not stated): gnomAD exomes below 0.00001 and 0.00001; TOPMed 0.00001.
gnomAD v4.1: 3 of 1,613,950 alleles (0.00019%); highest among the groups gnomAD compares: Admixed American, 0.0033%; no homozygotes.

Submissions (2):

Labcorp Genetics (formerly Invitae), Labcorp
Classification: Uncertain significance for Autosomal recessive limb-girdle muscular dystrophy type 2E. Last evaluated: 2022-10-17. Review status: criteria provided, single submitter. Criteria: Invitae Variant Classification Sherloc (09022015). Collection method: clinical testing. Allele origin: germline.
Comment: This sequence change replaces arginine, which is basic and polar, with glycine, which is neutral and non-polar, at codon 60 of the SGCB protein (p.Arg60Gly). This variant is present in population databases (no rsID available, gnomAD 0.006%). This variant has not been reported in the literature in individuals affected with SGCB-related conditions. ClinVar contains an entry for this variant (Variation ID: 597614). Advanced modeling of protein sequence and biophysical properties (such as structural, functional, and spatial information, amino acid conservation, physicochemical variation, residue mobility, and thermodynamic stability) performed at Invitae indicates that this missense variant is not expected to disrupt SGCB protein function. In summary, the available evidence is currently insufficient to determine the role of this variant in disease. Therefore, it has been classified as a Variant of Uncertain Significance.

Eurofins Ntd Llc (ga)
Classification: Uncertain significance. Last evaluated: 2018-06-15. Review status: criteria provided, single submitter. Criteria: EGL ClinVar v180209 classification definitions. Collection method: clinical testing. Allele origin: germline. Observed: 1 variant allele, 1 heterozygote.